The following is an entry in ClinVar:

NM_177438.3(DICER1):c.5078A>T (p.His1693Leu)

Gene: DICER1 (dicer 1, ribonuclease III; minus strand). Cytogenetic location: 14q32.13.
Variant type: single nucleotide variant.
Coding change: c.5078A>T on transcript NM_177438.3 (MANE Select); coding-DNA position 5078, A replaced by T.
Protein change: p.His1693Leu; replaces histidine 1693 with leucine.
Molecular consequence: missense variant. On other transcripts: non-coding transcript variant (6).
Genome position (GRCh38, 1-based): chr14:95,095,842, T>A on the plus strand (A>T on the coding strand, the complement: DICER1 is on the minus strand). VCF-style: chr14-95095842-T-A. GRCh37 (hg19) VCF-style: chr14-95562179-T-A.
Other names: c.5078A>T, p.His1693Leu (NM_001195573.1, NM_001271282.3, NM_001291628.2 and 13 more transcripts); c.4796A>T, p.His1599Leu (NM_001395686.1); c.4673A>T, p.His1558Leu (NM_001395687.1, NM_001395688.1, NM_001395689.1 and 2 more transcripts); c.4511A>T, p.His1504Leu (NM_001395691.1); c.3395A>T, p.His1132Leu (NM_001395697.1); short protein forms H1132L, H1693L, H1504L, H1599L, H1558L.
Identifiers: ClinVar variation 1745186 (VCV001745186.2), dbSNP rs1359055040, ClinGen allele CA390865922.

ClinVar aggregate classification (germline): Uncertain significance (1 of 4 stars; one submission).

Conditions:
Hereditary cancer-predisposing syndrome. Also called: Hereditary Cancer Syndrome; Neoplastic Syndromes, Hereditary; Tumor predisposition; Hereditary neoplastic syndrome. Identifiers: Orphanet 140162, MedGen C0027672, MeSH D009386, MONDO:0015356.

Submission:

Ambry Genetics
Classification: Uncertain significance for Hereditary cancer-predisposing syndrome. Last evaluated: 2023-09-20. Review status: criteria provided, single submitter. Criteria: Ambry Variant Classification Scheme 2023. Collection method: clinical testing. Allele origin: germline.
Comment: The p.H1693L variant (also known as c.5078A>T), located in coding exon 22 of the DICER1 gene, results from an A to T substitution at nucleotide position 5078. The histidine at codon 1693 is replaced by leucine, an amino acid with similar properties. This amino acid position is highly conserved in available vertebrate species. In addition, this alteration is predicted to be deleterious by in silico analysis. Since supporting evidence is limited at this time, the clinical significance of this alteration remains unclear.